The following is an entry in ClinVar:

ClinVar aggregate classification (germline): Conflicting classifications of pathogenicity. Review status: criteria provided, conflicting classifications (1 of 4 stars). 3 submissions from 3 submitters: Likely pathogenic (1); Uncertain significance (1). 1 of the submissions does not count toward it. Last evaluated 2020-01-20.

Conditions:
Juvenile polyposis syndrome (JPS). Identifiers: Orphanet 2929, MedGen C0345893, MONDO:0017380, OMIM 174900.
Heritable Thoracic Aortic Disease. Also called: Heritable Thoracic Aortic Disease (HTAD). Identifiers: MedGen CN868256.
Heritable thoracic aortic disease without juvenile polyposis and hereditary hemorrhagic telangiectasia.

Submissions (3):

Labcorp Genetics (formerly Invitae), Labcorp
Classification: Uncertain significance for Juvenile polyposis syndrome. Last evaluated: 2020-01-20. Review status: criteria provided, single submitter. Criteria: Invitae Variant Classification Sherloc (09022015). Collection method: clinical testing. Allele origin: germline.
Comment: This variant has been observed in individual(s) with thoracic aortic aneurysm and dissection (PMID: 30809044). ClinVar contains an entry for this variant (Variation ID: 560163). This variant is not present in population databases (ExAC no frequency). This sequence change replaces arginine with leucine at codon 97 of the SMAD4 protein (p.Arg97Leu). The arginine residue is highly conserved and there is a moderate physicochemical difference between arginine and leucine. This variant has been reported to affect SMAD4 protein function (PMID: 30809044). In summary, the available evidence is currently insufficient to determine the role of this variant in disease. Therefore, it has been classified as a Variant of Uncertain Significance.

Department of Internal Medicine, The University of Texas McGovern Medical School, The University of Texas Health Science Center at Houston
Classification: Likely pathogenic for Heritable Thoracic Aortic Disease. Last evaluated: 2018-04-01. Review status: criteria provided, single submitter. Criteria: ACMG Guidelines, 2015. Collection method: research. Allele origin: germline. Affected: yes. Observed: 3 variant alleles.
Comment: This variant was identified in a family with thoracic aortic disease and no evidence of juvenile polyposis and/or hereditary hemorrhagic telangiectasia

University of Washington Center for Mendelian Genomics, University of Washington
Classification: Likely pathogenic for Heritable thoracic aortic disease without juvenile polyposis and hereditary hemorrhagic telangiectasia. Review status: no assertion criteria provided. Collection method: research. Allele origin: inherited. Affected: yes. Not counted in ClinVar's aggregate classification.

Literature cited by the submitters: PubMed 30809044 (cited by Labcorp Genetics (formerly Invitae), Labcorp and University of Washington Center for Mendelian Genomics, University of Washington).

NM_005359.6(SMAD4):c.290G>T (p.Arg97Leu)

Gene: SMAD4 (SMAD family member 4; plus strand). Cytogenetic location: 18q21.2.
Variant type: single nucleotide variant.
Coding change: c.290G>T on transcript NM_005359.6 (MANE Select); coding-DNA position 290, G replaced by T.
Protein change: p.Arg97Leu; replaces arginine 97 with leucine.
Molecular consequence: missense variant.
Genome position (GRCh38, 1-based): chr18:51,048,726, G>T. VCF-style: chr18-51048726-G-T. GRCh37 (hg19) VCF-style: chr18-48575096-G-T.
Other names: short protein forms R97L.
Identifiers: ClinVar variation 560163 (VCV000560163.13), dbSNP rs1555685159, ClinGen allele CA402458253.